The following is an entry in ClinVar:

NM_006231.4(POLE):c.3549C>A (p.Ile1183=)

Gene: POLE (DNA polymerase epsilon, catalytic subunit; minus strand). Cytogenetic location: 12q24.33.
Variant type: single nucleotide variant.
Coding change: c.3549C>A on transcript NM_006231.4 (MANE Select); coding-DNA position 3549, C replaced by A.
Protein change: p.Ile1183=; no amino-acid change (isoleucine 1183 retained).
Molecular consequence: synonymous variant.
Genome position (GRCh38, 1-based): chr12:132,657,169, G>T on the plus strand (C>A on the coding strand, the complement: POLE is on the minus strand). VCF-style: chr12-132657169-G-T. GRCh37 (hg19) VCF-style: chr12-133233755-G-T.
Identifiers: ClinVar variation 4770201 (VCV004770201.1).

ClinVar aggregate classification (germline): Uncertain significance (1 of 4 stars; one submission).

Submission:

Labcorp Genetics (formerly Invitae), Labcorp
Classification: Uncertain significance. Last evaluated: 2025-08-17. Review status: criteria provided, single submitter. Criteria: Invitae Variant Classification Sherloc (09022015). Collection method: clinical testing. Allele origin: germline.
Comment: This sequence change affects codon 1183 of the POLE mRNA. It is a 'silent' change, meaning that it does not change the encoded amino acid sequence of the POLE protein. This variant is not present in population databases (gnomAD no frequency). This variant has not been reported in the literature in individuals affected with POLE-related conditions. Algorithms developed to predict the effect of sequence changes on RNA splicing suggest that this variant may create or strengthen a splice site. In summary, the available evidence is currently insufficient to determine the role of this variant in disease. Therefore, it has been classified as a Variant of Uncertain Significance.